The following is an entry in ClinVar:

ClinVar aggregate classification (germline): Uncertain significance. Review status: criteria provided, multiple submitters, no conflicts (2 of 4 stars). 4 submissions from 4 submitters: Uncertain significance (3). 1 of the submissions does not count toward it. Last evaluated 2025-08-31.

Conditions:
ELMOD3-related disorder. Also called: ELMOD3-related condition.

Allele frequency attached by ClinVar (database versions not stated): gnomAD 0.00001; ExAC 0.00002; gnomAD exomes 0.00003; TOPMed 0.00004.

Submissions (4):

Labcorp Genetics (formerly Invitae), Labcorp
Classification: Uncertain significance. Last evaluated: 2025-08-31. Review status: criteria provided, single submitter. Criteria: Invitae Variant Classification Sherloc (09022015). Collection method: clinical testing. Allele origin: germline.
Comment: This sequence change replaces alanine, which is neutral and non-polar, with threonine, which is neutral and polar, at codon 38 of the ELMOD3 protein (p.Ala38Thr). This variant is present in population databases (rs767292222, gnomAD 0.004%). This variant has not been reported in the literature in individuals affected with ELMOD3-related conditions. ClinVar contains an entry for this variant (Variation ID: 2204415). Invitae Evidence Modeling of protein sequence and biophysical properties (such as structural, functional, and spatial information, amino acid conservation, physicochemical variation, residue mobility, and thermodynamic stability) indicates that this missense variant is not expected to disrupt ELMOD3 protein function with a negative predictive value of 80%. In summary, the available evidence is currently insufficient to determine the role of this variant in disease. Therefore, it has been classified as a Variant of Uncertain Significance.

Blueprint Genetics
Classification: Uncertain significance. Last evaluated: 2023-12-27. Review status: criteria provided, single submitter. Criteria: ACMG Guidelines, 2015. Collection method: clinical testing. Allele origin: germline.

Ambry Genetics
Classification: Uncertain significance. Last evaluated: 2021-09-27. Review status: criteria provided, single submitter. Criteria: Ambry Variant Classification Scheme 2023. Collection method: clinical testing. Allele origin: germline.

PreventionGenetics, part of Exact Sciences
Classification: Uncertain significance for ELMOD3-related condition. Last evaluated: 2023-10-26. Review status: no assertion criteria provided. Collection method: clinical testing. Allele origin: germline. Not counted in ClinVar's aggregate classification.
Comment: The ELMOD3 c.112G>A variant is predicted to result in the amino acid substitution p.Ala38Thr. To our knowledge, this variant has not been reported in the literature. This variant is reported in 0.0053% of alleles in individuals of European (Non-Finnish) descent in gnomAD. At this time, the clinical significance of this variant is uncertain due to the absence of conclusive functional and genetic evidence.

NM_001135022.2(ELMOD3):c.112G>A (p.Ala38Thr)

Gene: ELMOD3 (ELMO domain containing 3; plus strand). Cytogenetic location: 2p11.2.
Variant type: single nucleotide variant.
Coding change: c.112G>A on transcript NM_001135022.2 (MANE Select); coding-DNA position 112, G replaced by A.
Protein change: p.Ala38Thr; replaces alanine 38 with threonine.
Molecular consequence: missense variant. On other transcripts: non-coding transcript variant (3).
Genome position (GRCh38, 1-based): chr2:85,362,243, G>A. VCF-style: chr2-85362243-G-A. GRCh37 (hg19) VCF-style: chr2-85589366-G-A.
Other names: c.112G>A, p.Ala38Thr (NM_001329791.2, NM_001329792.2, NM_001329793.2 and 3 more transcripts); c.112G>A (NM_001135021.1); short protein forms A38T.
Identifiers: ClinVar variation 2204415 (VCV002204415.8), dbSNP rs767292222, ClinGen allele CA1740196.
Genomic context (GRCh38, chr2:85,362,243, plus strand): 5'-CAGGGTGAAAGATTGTCTGCTGGATATTCTCCATCATATGACAAGGACAAGAGTGTTCTG[G>A]CTTTCAGAGGAATCCCTGTATGTATCACCCACAACTTGGTACCTTCTGCCAGGGCTTTTG-3'
Protein context (NP_001128494.1, residues 28-48): PSYDKDKSVL[Ala38Thr]FRGIPISELK